The following is an entry in ClinVar:

NM_021076.4(NEFH):c.67A>T (p.Ser23Cys)

Gene: NEFH (neurofilament heavy chain; plus strand). Cytogenetic location: 22q12.2.
Variant type: single nucleotide variant.
Coding change: c.67A>T on transcript NM_021076.4 (MANE Select); coding-DNA position 67, A replaced by T.
Protein change: p.Ser23Cys; replaces serine 23 with cysteine.
Molecular consequence: missense variant.
Genome position (GRCh38, 1-based): chr22:29,480,329, A>T. VCF-style: chr22-29480329-A-T. GRCh37 (hg19) VCF-style: chr22-29876318-A-T.
Other names: short protein forms S23C.
Identifiers: ClinVar variation 1715124 (VCV001715124.5), dbSNP rs1395326623, ClinGen allele CA411121127.

ClinVar aggregate classification (germline): Uncertain significance (1 of 4 stars; one submission).

Submission:

Labcorp Genetics (formerly Invitae), Labcorp
Classification: Uncertain significance. Last evaluated: 2022-08-09. Review status: criteria provided, single submitter. Criteria: Invitae Variant Classification Sherloc (09022015). Collection method: clinical testing. Allele origin: germline.
Comment: In summary, the available evidence is currently insufficient to determine the role of this variant in disease. Therefore, it has been classified as a Variant of Uncertain Significance. Advanced modeling of protein sequence and biophysical properties (such as structural, functional, and spatial information, amino acid conservation, physicochemical variation, residue mobility, and thermodynamic stability) performed at Invitae indicates that this missense variant is not expected to disrupt NEFH protein function. This variant has not been reported in the literature in individuals affected with NEFH-related conditions. This variant is not present in population databases (gnomAD no frequency). This sequence change replaces serine, which is neutral and polar, with cysteine, which is neutral and slightly polar, at codon 23 of the NEFH protein (p.Ser23Cys).